The following is an entry in ClinVar:

NM_001042492.3(NF1):c.4765dup (p.Thr1589fs)

Gene: NF1 (neurofibromin 1; plus strand). Cytogenetic location: 17q11.2.
Variant type: Duplication.
Coding change: c.4765dup on transcript NM_001042492.3 (MANE Select); coding-DNA position 4765, one base duplicated (A; older notation c.4765dupA).
Protein change: p.Thr1589fs; shifts the reading frame from threonine 1589.
Molecular consequence: frameshift variant.
Genome position (GRCh38, 1-based): chr17:31,265,269, A duplicated; the last of 4 consecutive A bases (chr17:31,265,266-31,265,269); duplicating any one gives the same sequence. VCF-style (leftmost placement, unchanged base first): chr17-31265265-G-GA. GRCh37 (hg19) VCF-style: chr17-29592283-G-GA.
Other names: c.4702dup, p.Thr1568Asnfs (NM_000267.4); short protein forms T1589fs, T1568fs.
Identifiers: ClinVar variation 2072982 (VCV002072982.5), dbSNP rs1131691098, ClinGen allele CA2580093336.
Genomic context (GRCh38, chr17:31,265,265, plus strand): 5'-ATTACTCTGTTATTTTTCTTTTAGGCATCAGGTACATGAAAAAGAAGAATTCAAGGCTTT[G>GA]AAAACGTTAAGTATTTTCTACCAAGCTGGGACTTCCAAAGCTGGGAATCCTATTTTTTAT-3'

ClinVar aggregate classification (germline): Pathogenic. Review status: criteria provided, multiple submitters, no conflicts (2 of 4 stars). 2 submissions from 2 submitters: Pathogenic (2). Last evaluated 2024-01-31.

Conditions:
Neurofibromatosis, type 1 (NF1). Also called: NEUROFIBROMATOSIS, TYPE I, SOMATIC; VON RECKLINGHAUSEN DISEASE; Peripheral type neurofibromatosis; Neurofibromatosis, type I. Identifiers: Orphanet 636, MedGen C0027831, MONDO:0018975, OMIM 162200. Disease mechanism: loss of function.

Submissions (2):

GeneDx
Classification: Pathogenic. Last evaluated: 2024-01-31. Review status: criteria provided, single submitter. Criteria: GeneDx Variant Classification Process June 2021. Collection method: clinical testing. Allele origin: germline. Affected: yes.
Comment: Frameshift variant predicted to result in protein truncation or nonsense mediated decay in a gene for which loss of function is a known mechanism of disease; Not observed at significant frequency in large population cohorts (gnomAD); This variant is associated with the following publications: (PMID: 33877690)

Labcorp Genetics (formerly Invitae), Labcorp
Classification: Pathogenic for Neurofibromatosis, type 1. Last evaluated: 2023-11-01. Review status: criteria provided, single submitter. Criteria: Invitae Variant Classification Sherloc (09022015). Collection method: clinical testing. Allele origin: germline.
Comment: This sequence change creates a premature translational stop signal (p.Thr1568Asnfs*33) in the NF1 gene. It is expected to result in an absent or disrupted protein product. Loss-of-function variants in NF1 are known to be pathogenic (PMID: 10712197, 23913538). This variant is not present in population databases (gnomAD no frequency). This variant has not been reported in the literature in individuals affected with NF1-related conditions. ClinVar contains an entry for this variant (Variation ID: 2072982). For these reasons, this variant has been classified as Pathogenic.

Literature cited by the submitters: PubMed 10712197 (cited by Labcorp Genetics (formerly Invitae), Labcorp); PubMed 23913538 (cited by Labcorp Genetics (formerly Invitae), Labcorp).